The following is an entry in ClinVar:

NM_022047.4(DEF6):c.1076G>A (p.Arg359Gln)

Gene: DEF6 (DEF6 guanine nucleotide exchange factor; plus strand). Cytogenetic location: 6p21.31.
Variant type: single nucleotide variant.
Coding change: c.1076G>A on transcript NM_022047.4 (MANE Select); coding-DNA position 1076, G replaced by A.
Protein change: p.Arg359Gln; replaces arginine 359 with glutamine.
Molecular consequence: missense variant.
Genome position (GRCh38, 1-based): chr6:35,318,332, G>A. VCF-style: chr6-35318332-G-A. GRCh37 (hg19) VCF-style: chr6-35286109-G-A.
Other names: short protein forms R359Q.
Identifiers: ClinVar variation 1488896 (VCV001488896.3), dbSNP rs529668369, ClinGen allele CA3770875.

ClinVar aggregate classification (germline): Uncertain significance (1 of 4 stars; one submission).

Allele frequency attached by ClinVar (database versions not stated): gnomAD exomes 0.00001 and 0.00004; ExAC 0.00008; gnomAD 0.00016 and 0.00017; 1000 Genomes Project 0.00020; 1000 Genomes Project 30x 0.00031; TOPMed 0.00038.
gnomAD v4.1: 54 of 1,545,356 alleles (0.0035%); highest among the groups gnomAD compares: Admixed American, 0.039%; no homozygotes.

Submission:

Labcorp Genetics (formerly Invitae), Labcorp
Classification: Uncertain significance. Last evaluated: 2022-08-23. Review status: criteria provided, single submitter. Criteria: Invitae Variant Classification Sherloc (09022015). Collection method: clinical testing. Allele origin: germline.
Comment: This sequence change replaces arginine, which is basic and polar, with glutamine, which is neutral and polar, at codon 359 of the DEF6 protein (p.Arg359Gln). This variant is present in population databases (rs529668369, gnomAD 0.03%). This variant has not been reported in the literature in individuals affected with DEF6-related conditions. ClinVar contains an entry for this variant (Variation ID: 1488896). Algorithms developed to predict the effect of missense changes on protein structure and function are either unavailable or do not agree on the potential impact of this missense change (SIFT: "Tolerated"; PolyPhen-2: "Possibly Damaging"; Align-GVGD: "Class C0"). In summary, the available evidence is currently insufficient to determine the role of this variant in disease. Therefore, it has been classified as a Variant of Uncertain Significance.